The following is an entry in ClinVar:

NM_024422.6(DSC2):c.1456G>A (p.Val486Met)

Gene: DSC2 (desmocollin 2; minus strand). Cytogenetic location: 18q12.1.
Variant type: single nucleotide variant.
Coding change: c.1456G>A on transcript NM_024422.6 (MANE Select); coding-DNA position 1456, G replaced by A.
Protein change: p.Val486Met; replaces valine 486 with methionine.
Molecular consequence: missense variant.
Genome position (GRCh38, 1-based): chr18:31,080,160, C>T on the plus strand (G>A on the coding strand, the complement: DSC2 is on the minus strand). VCF-style: chr18-31080160-C-T. GRCh37 (hg19) VCF-style: chr18-28660126-C-T.
Other names: p.Val486Met; c.1456G>A, p.Val486Met (NM_004949.5); short protein forms V486M.
Identifiers: ClinVar variation 641127 (VCV000641127.11), dbSNP rs188634770, ClinGen allele CA031424.

ClinVar aggregate classification (germline): Conflicting classifications of pathogenicity. Review status: criteria provided, conflicting classifications (1 of 4 stars). 5 submissions from 5 submitters: Uncertain significance (3); Likely benign (2). Last evaluated 2025-11-23.

Conditions:
Cardiomyopathy (CMYO). Also called: Cardiomyopathies. Identifiers: Orphanet 167848, MedGen C0878544, MONDO:0004994, HP:0001638. Inheritance: Various modes of inheritance.
Arrhythmogenic right ventricular dysplasia 11. Also called: Arrhythmogenic right ventricular dysplasia 11 with mild palmoplantar keratoderma and woolly hair; Arrhythmogenic Right Ventricular Dysplasia/Cardiomyopathy11; ARRHYTHMOGENIC RIGHT VENTRICULAR DYSPLASIA, FAMILIAL, 11. Identifiers: MedGen C1864850, MONDO:0012506, OMIM 610476.
Cardiovascular phenotype. Identifiers: MedGen CN230736.

Allele frequency attached by ClinVar (database versions not stated): gnomAD exomes 0.00002 and 0.00005; 1000 Genomes Project 0.00020; gnomAD 0.00002 and 0.00003; TOPMed 0.00002; ExAC 0.00007; 1000 Genomes Project 30x 0.00031.

Submissions (5):

Labcorp Genetics (formerly Invitae), Labcorp
Classification: Uncertain significance for Arrhythmogenic right ventricular dysplasia 11. Last evaluated: 2025-11-23. Review status: criteria provided, single submitter. Criteria: Invitae Variant Classification Sherloc (09022015). Collection method: clinical testing. Allele origin: germline.
Comment: This sequence change replaces valine, which is neutral and non-polar, with methionine, which is neutral and non-polar, at codon 486 of the DSC2 protein (p.Val486Met). This variant is present in population databases (rs188634770, gnomAD 0.04%). This variant has not been reported in the literature in individuals affected with DSC2-related conditions. ClinVar contains an entry for this variant (Variation ID: 641127). Invitae Evidence Modeling of protein sequence and biophysical properties (such as structural, functional, and spatial information, amino acid conservation, physicochemical variation, residue mobility, and thermodynamic stability) indicates that this missense variant is not expected to disrupt DSC2 protein function with a negative predictive value of 80%. In summary, the available evidence is currently insufficient to determine the role of this variant in disease. Therefore, it has been classified as a Variant of Uncertain Significance.

Ambry Genetics
Classification: Likely benign for Cardiovascular phenotype. Last evaluated: 2023-06-05. Review status: criteria provided, single submitter. Criteria: Ambry Variant Classification Scheme 2023. Collection method: clinical testing. Allele origin: germline.

Mayo Clinic Laboratories, Mayo Clinic
Classification: Uncertain significance. Last evaluated: 2023-04-26. Review status: criteria provided, single submitter. Criteria: ACMG Guidelines, 2015. Collection method: clinical testing. Allele origin: germline. Observed: 1 variant allele.
Comment: BP4

GeneDx
Classification: Uncertain significance. Last evaluated: 2023-04-18. Review status: criteria provided, single submitter. Criteria: GeneDx Variant Classification Process June 2021. Collection method: clinical testing. Allele origin: germline. Affected: yes.
Comment: In silico analysis supports that this missense variant does not alter protein structure/function; Has not been previously published as pathogenic or benign to our knowledge

Color Diagnostics, LLC DBA Color Health
Classification: Likely benign for Cardiomyopathy. Last evaluated: 2021-05-10. Review status: criteria provided, single submitter. Criteria: ACMG Guidelines, 2015. Collection method: clinical testing. Allele origin: germline.